The following is an entry in ClinVar:

NM_002016.2(FLG):c.8497G>T (p.Gly2833Ter)

Genes: CCDST (cervical cancer associated DHX9 suppressive transcript; plus strand), FLG (filaggrin; minus strand). Cytogenetic location: 1q21.3.
Variant type: single nucleotide variant.
Coding change: c.8497G>T on transcript NM_002016.2 (MANE Select); coding-DNA position 8497, G replaced by T.
Protein change: p.Gly2833Ter; replaces glycine 2833 with a stop codon.
Molecular consequence: nonsense.
Genome position (GRCh38, 1-based): chr1:152,306,389, C>A on the plus strand (G>T on the coding strand, the complement: FLG is on the minus strand). VCF-style: chr1-152306389-C-A. GRCh37 (hg19) VCF-style: chr1-152278865-C-A.
Other names: short protein forms G2833*.
Identifiers: ClinVar variation 1027984 (VCV001027984.3), dbSNP rs771543103, ClinGen allele CA1104209.

ClinVar aggregate classification (germline): Conflicting classifications of pathogenicity. Review status: criteria provided, conflicting classifications (1 of 4 stars). 3 submissions from 3 submitters: Pathogenic (1); Likely pathogenic (1); Uncertain significance (1). Last evaluated 2024-02-08.

Conditions:
Ichthyosis vulgaris. Also called: ICHTHYOSIS SIMPLEX; Dominant ichthyosis vulgaris. Identifiers: MedGen C0079584, MONDO:0024304, OMIM 146700.
FLG-related disorder. Also called: FLG-related disorders; FLG-related condition.

Allele frequency attached by ClinVar (database versions not stated): ExAC 0.00002; gnomAD 0.00009 and 0.00010.

Submissions (3):

GeneDx
Classification: Pathogenic. Last evaluated: 2024-02-08. Review status: criteria provided, single submitter. Criteria: GeneDx Variant Classification Process June 2021. Collection method: clinical testing. Allele origin: germline. Affected: yes.
Comment: Nonsense variant predicted to result in protein truncation, as the last 1229 amino acids are lost, and other loss-of-function variants have been reported downstream in HGMD; Has not been previously published as pathogenic or benign to our knowledge

Blueprint Genetics
Classification: Likely pathogenic for FLG-related disorders. Last evaluated: 2022-08-11. Review status: criteria provided, single submitter. Criteria: ACMG Guidelines, 2015. Collection method: clinical testing. Allele origin: germline. Affected: yes. Observed: 2 variant alleles.

Baylor Genetics
Classification: Uncertain significance for Ichthyosis vulgaris. Last evaluated: 2019-01-07. Review status: criteria provided, single submitter. Criteria: ACMG Guidelines, 2015. Collection method: clinical testing. Allele origin: maternal. Affected: yes.
Comment: This variant was determined to be of uncertain significance according to ACMG Guidelines, 2015 [PMID:25741868].